The following is an entry in ClinVar:

ClinVar aggregate classification (germline): Likely benign (0 of 4 stars; one submission).

Conditions:
GAPVD1-related disorder. Also called: GAPVD1-related condition.

gnomAD v4.1: 194 of 1,614,062 alleles (0.012%); highest among the groups gnomAD compares: Non-Finnish European, 0.0075%; 1 homozygote.

Submission:

PreventionGenetics, part of Exact Sciences
Classification: Likely benign for GAPVD1-related condition. Last evaluated: 2024-09-03. Review status: no assertion criteria provided. Collection method: clinical testing. Allele origin: germline.
Comment: This variant is classified as likely benign based on ACMG/AMP sequence variant interpretation guidelines (Richards et al. 2015 PMID: 25741868, with internal and published modifications).

NM_001282680.3(GAPVD1):c.2644G>C (p.Ala882Pro)

Gene: GAPVD1 (GTPase activating protein and VPS9 domains 1; plus strand). Cytogenetic location: 9q33.3.
Variant type: single nucleotide variant.
Coding change: c.2644G>C on transcript NM_001282680.3 (MANE Select); coding-DNA position 2644, G replaced by C.
Protein change: p.Ala882Pro; replaces alanine 882 with proline.
Molecular consequence: missense variant. On other transcripts: non-coding transcript variant (2).
Genome position (GRCh38, 1-based): chr9:125,337,358, G>C. VCF-style: chr9-125337358-G-C. GRCh37 (hg19) VCF-style: chr9-128099637-G-C.
Other names: c.2644G>C, p.Ala882Pro (NM_001282679.2, NM_001330778.3, NM_001354294.2 and 4 more transcripts); c.2581G>C, p.Ala861Pro (NM_001282681.3, NM_001330777.3, NM_001354297.2 and 1 more transcripts); c.2725G>C, p.Ala909Pro (NM_001354298.2, NM_015635.4); short protein forms A861P, A882P, A909P.
Identifiers: ClinVar variation 3351726 (VCV003351726.1).